The following is an entry in ClinVar:

ClinVar aggregate classification (germline): Pathogenic (1 of 4 stars; one submission).

Conditions:
CFTR-related disorder (CFTR-RD). Also called: CFTR-related disorders; CFTR-related condition. Identifiers: MedGen C5924204, MONDO:7770004.

Submission:

Natera, Inc.
Classification: Pathogenic for CFTR-related disorders. Last evaluated: 2025-01-31. Review status: criteria provided, single submitter. Criteria: Natera Variant Classification Schema (03/2026). Collection method: clinical testing. Allele origin: germline.
Comment: The c.237G>A variant in CFTR is a nonsense variant predicted to introduce a stop codon at amino acid 79. This variant is expected to result in nonsense mediated decay, truncation, or a dysfunctional protein product. This variant is rare in the general population with a frequency below the threshold expected for the associated phenotype(s). This variant has been observed in one or more individuals affected with the associated recessive disease, as either homozygous or compound heterozygous with a second variant (PMID: 17825628, 23927682). Given the available evidence, this variant is classified as Pathogenic.

Literature cited by the submitters: PubMed 17825628; PubMed 23927682.

NM_000492.4(CFTR):c.237G>A (p.Trp79Ter)

Gene: CFTR (CF transmembrane conductance regulator; plus strand). Cytogenetic location: 7q31.2.
Variant type: single nucleotide variant.
Coding change: c.237G>A on transcript NM_000492.4 (MANE Select); coding-DNA position 237, G replaced by A.
Protein change: p.Trp79Ter; replaces tryptophan 79 with a stop codon.
Molecular consequence: nonsense.
Genome position (GRCh38, 1-based): chr7:117,509,106, G>A. VCF-style: chr7-117509106-G-A. GRCh37 (hg19) VCF-style: chr7-117149160-G-A.
Other names: short protein forms W79*.
Identifiers: ClinVar variation 4064621 (VCV004064621.2).
Genomic context (GRCh38, chr7:117,509,106, plus strand): 5'-AGAGCTGGCTTCAAAGAAAAATCCTAAACTCATTAATGCCCTTCGGCGATGTTTTTTCTG[G>A]AGATTTATGTTCTATGGAATCTTTTTATATTTAGGGGTAAGGATCTCATTTGTACATTCA-3'